The following is an entry in ClinVar:

NM_005321.3(H1-4):c.610G>A (p.Ala204Thr)

Gene: H1-4 (H1.4 linker histone, cluster member; plus strand). Cytogenetic location: 6p22.2.
Variant type: single nucleotide variant.
Coding change: c.610G>A on transcript NM_005321.3 (MANE Select); coding-DNA position 610, G replaced by A.
Protein change: p.Ala204Thr; replaces alanine 204 with threonine.
Molecular consequence: missense variant.
Genome position (GRCh38, 1-based): chr6:26,157,000, G>A. VCF-style: chr6-26157000-G-A. GRCh37 (hg19) VCF-style: chr6-26157228-G-A.
Other names: short protein forms A204T.
Identifiers: ClinVar variation 2591290 (VCV002591290.27), dbSNP rs139427516, ClinGen allele CA3668249.
Genomic context (GRCh38, chr6:26,157,000, plus strand): 5'-GCGCCCAAGAGCCCAGCGAAGGCCAAAGCAGTTAAACCCAAGGCGGCTAAACCAAAGACC[G>A]CCAAGCCCAAGGCAGCCAAGCCAAAGAAGGCGGCAGCCAAGAAAAAGTAGAAAGTTCCTT-3'
Protein context (NP_005312.1, residues 194-214): VKPKAAKPKT[Ala204Thr]KPKAAKPKKA

ClinVar aggregate classification (germline): Likely benign. Review status: criteria provided, multiple submitters, no conflicts (2 of 4 stars). 3 submissions from 3 submitters: Likely benign (3). Last evaluated 2026-02-01.

Conditions:
H1-4-related disorder. Also called: H1-4-related condition.

Allele frequency attached by ClinVar (database versions not stated): TOPMed 0.00011; 1000 Genomes Project 30x 0.00016; gnomAD 0.00016; gnomAD exomes 0.00018; 1000 Genomes Project 0.00020; ExAC 0.00023; ESP Exome Variant Server 0.00054.
gnomAD v4.1: 274 of 1,599,390 alleles (0.017%); highest among the groups gnomAD compares: Non-Finnish European, 0.018%; no homozygotes.

Submissions (3):

CeGaT Center for Human Genetics Tuebingen
Classification: Likely benign. Last evaluated: 2026-02-01. Review status: criteria provided, single submitter. Criteria: CeGaT Center For Human Genetics Tuebingen Variant Classification Criteria Version 2. Collection method: clinical testing. Allele origin: germline. Affected: yes. Observed: 2 variant alleles.
Comment: H1-4: BP4, BS2

PreventionGenetics, part of Exact Sciences
Classification: Likely benign for H1-4-related condition. Last evaluated: 2026-01-22. Review status: criteria provided, single submitter. Criteria: ACMG Guidelines, 2015. Collection method: clinical testing. Allele origin: germline.
Comment: This variant is classified as likely benign based on ACMG/AMP sequence variant interpretation guidelines (Richards et al. 2015 PMID: 25741868, with internal and published modifications).

Ambry Genetics
Classification: Likely benign. Last evaluated: 2023-09-13. Review status: criteria provided, single submitter. Criteria: Ambry Variant Classification Scheme 2023. Collection method: clinical testing. Allele origin: germline.